The following is an entry in ClinVar:

ClinVar aggregate classification (germline): Uncertain significance. Review status: criteria provided, multiple submitters, no conflicts (2 of 4 stars). 2 submissions from 2 submitters: Uncertain significance (2). Last evaluated 2025-08-25.

Conditions:
Hereditary cancer-predisposing syndrome. Also called: Tumor predisposition; Hereditary neoplastic syndrome; Hereditary Cancer Syndrome; Neoplastic Syndromes, Hereditary. Identifiers: Orphanet 140162, MedGen C0027672, MeSH D009386, MONDO:0015356.

Allele frequency attached by ClinVar (database versions not stated): gnomAD exomes below 0.00001.
gnomAD v4.1: 3 of 1,613,150 alleles (0.00019%); highest among the groups gnomAD compares: African/African-American, 0.0013%; no homozygotes.

Submissions (2):

Ambry Genetics
Classification: Uncertain significance for Hereditary cancer-predisposing syndrome. Last evaluated: 2025-08-25. Review status: criteria provided, single submitter. Criteria: Ambry Variant Classification Scheme 2023. Collection method: clinical testing. Allele origin: germline.
Comment: The p.I2157V variant (also known as c.6469A>G), located in coding exon 46 of the POLE gene, results from an A to G substitution at nucleotide position 6469. The isoleucine at codon 2157 is replaced by valine, an amino acid with highly similar properties. This amino acid position is conserved. In addition, this alteration is predicted to be tolerated by in silico analysis. Based on the available evidence, the clinical significance of this variant remains unclear.

Labcorp Genetics (formerly Invitae), Labcorp
Classification: Uncertain significance. Last evaluated: 2025-08-11. Review status: criteria provided, single submitter. Criteria: Invitae Variant Classification Sherloc (09022015). Collection method: clinical testing. Allele origin: germline.
Comment: This sequence change replaces isoleucine, which is neutral and non-polar, with valine, which is neutral and non-polar, at codon 2157 of the POLE protein (p.Ile2157Val). This variant is present in population databases (no rsID available, gnomAD 0.0009%). This variant has not been reported in the literature in individuals affected with POLE-related conditions. ClinVar contains an entry for this variant (Variation ID: 963031). Invitae Evidence Modeling of protein sequence and biophysical properties (such as structural, functional, and spatial information, amino acid conservation, physicochemical variation, residue mobility, and thermodynamic stability) indicates that this missense variant is not expected to disrupt POLE protein function with a negative predictive value of 80%. In summary, the available evidence is currently insufficient to determine the role of this variant in disease. Therefore, it has been classified as a Variant of Uncertain Significance.

NM_006231.4(POLE):c.6469A>G (p.Ile2157Val)

Gene: POLE (DNA polymerase epsilon, catalytic subunit; minus strand). Cytogenetic location: 12q24.33.
Variant type: single nucleotide variant.
Coding change: c.6469A>G on transcript NM_006231.4 (MANE Select); coding-DNA position 6469, A replaced by G.
Protein change: p.Ile2157Val; replaces isoleucine 2157 with valine.
Molecular consequence: missense variant.
Genome position (GRCh38, 1-based): chr12:132,626,179, T>C on the plus strand (A>G on the coding strand, the complement: POLE is on the minus strand). VCF-style: chr12-132626179-T-C. GRCh37 (hg19) VCF-style: chr12-133202765-T-C.
Other names: c.6469A>G (NM_006231.2); short protein forms I2157V.
Identifiers: ClinVar variation 963031 (VCV000963031.10), dbSNP rs1172604164, ClinGen allele CA387367412.